The following is an entry in ClinVar:

NM_000551.4(VHL):c.-46_-45delinsAA

Gene: VHL (von Hippel-Lindau tumor suppressor; plus strand). Cytogenetic location: 3p25.3.
Variant type: Indel.
Coding change: c.-46_-45delinsAA on transcript NM_000551.4 (MANE Select); 46 bases upstream of the start codon through 45 bases upstream of the start codon, GC replaced by AA.
Molecular consequence: 5 prime UTR variant. On other transcripts: non-coding transcript variant (1).
Genome position (GRCh38, 1-based): chr3:10,141,802-10,141,803, GC replaced by AA. VCF-style: chr3-10141802-GC-AA. GRCh37 (hg19) VCF-style: chr3-10183486-GC-AA.
Other names: c.-46_-45delinsAA (NM_001354723.2, NM_198156.3).
Identifiers: ClinVar variation 4785301 (VCV004785301.1).
Genomic context (GRCh38, chr3:10,141,802, plus strand): 5'-CGCGAAGACTACGGAGGTCGACTCGGGAGCGCGCACGCAGCTCCGCCCCGCGTCCGACCC[GC>AA]GGATCCCGCGGCGTCCGGCCCGGGTGGTCTGGATCGCGGAGGGAATGCCCCGGAGGGCGG-3'

ClinVar aggregate classification (germline): Uncertain significance (1 of 4 stars; one submission).

Conditions:
Chuvash polycythemia. Also called: POLYCYTHEMIA, VHL-DEPENDENT. Identifiers: Orphanet 238557, MedGen C1837915, MONDO:0009892, OMIM 263400.
Von Hippel-Lindau syndrome (VHLS). Also called: Von Hippel-Lindau; von Hippel–Lindau syndrome; VHL syndrome. Identifiers: Orphanet 892, MedGen C0019562, MONDO:0008667, OMIM 193300. Disease mechanism: loss of function.

Submission:

Labcorp Genetics (formerly Invitae), Labcorp
Classification: Uncertain significance for Von Hippel-Lindau syndrome; Chuvash polycythemia. Last evaluated: 2025-06-15. Review status: criteria provided, single submitter. Criteria: Invitae Variant Classification Sherloc (09022015). Collection method: clinical testing. Allele origin: germline.
Comment: This variant occurs in a non-coding region of the VHL gene. It does not change the encoded amino acid sequence of the VHL protein. Information on the frequency of this variant in the gnomAD database is not available, as this variant may be reported differently in the database. This variant has not been reported in the literature in individuals affected with VHL-related conditions. Experimental studies and prediction algorithms are not available or were not evaluated, and the functional significance of this variant is currently unknown. In summary, the available evidence is currently insufficient to determine the role of this variant in disease. Therefore, it has been classified as a Variant of Uncertain Significance.